The following is an entry in ClinVar:

ClinVar aggregate classification (germline): Uncertain significance. Review status: criteria provided, multiple submitters, no conflicts (2 of 4 stars). 2 submissions from 2 submitters: Uncertain significance (2). Last evaluated 2025-08-25.

Conditions:
Inborn genetic diseases. Identifiers: MedGen C0950123, MeSH D030342.
Nephronophthisis 15 (NPHP15). Identifiers: Orphanet 3156, MedGen C3541853, MONDO:0013917, OMIM 614845.

Allele frequency attached by ClinVar (database versions not stated): TOPMed 0.00001; gnomAD 0.00002.
gnomAD v4.1: 3 of 1,605,204 alleles (0.00019%); highest among the groups gnomAD compares: African/African-American, 0.004%; no homozygotes.

Submissions (2):

Labcorp Genetics (formerly Invitae), Labcorp
Classification: Uncertain significance for Nephronophthisis 15. Last evaluated: 2025-08-25. Review status: criteria provided, single submitter. Criteria: Invitae Variant Classification Sherloc (09022015). Collection method: clinical testing. Allele origin: germline.
Comment: This sequence change replaces proline, which is neutral and non-polar, with leucine, which is neutral and non-polar, at codon 567 of the CEP164 protein (p.Pro567Leu). The frequency data for this variant in the population databases is considered unreliable, as metrics indicate poor data quality at this position in the gnomAD database. This variant has not been reported in the literature in individuals affected with CEP164-related conditions. ClinVar contains an entry for this variant (Variation ID: 1509475). Invitae Evidence Modeling of protein sequence and biophysical properties (such as structural, functional, and spatial information, amino acid conservation, physicochemical variation, residue mobility, and thermodynamic stability) indicates that this missense variant is not expected to disrupt CEP164 protein function with a negative predictive value of 80%. In summary, the available evidence is currently insufficient to determine the role of this variant in disease. Therefore, it has been classified as a Variant of Uncertain Significance.

Ambry Genetics
Classification: Uncertain significance for Inborn genetic diseases. Last evaluated: 2025-04-08. Review status: criteria provided, single submitter. Criteria: Ambry Variant Classification Scheme 2023. Collection method: clinical testing. Allele origin: germline.

NM_014956.5(CEP164):c.1700C>T (p.Pro567Leu)

Gene: CEP164 (centrosomal protein 164; plus strand). Cytogenetic location: 11q23.3.
Variant type: single nucleotide variant.
Coding change: c.1700C>T on transcript NM_014956.5 (MANE Select); coding-DNA position 1700, C replaced by T.
Protein change: p.Pro567Leu; replaces proline 567 with leucine.
Molecular consequence: missense variant.
Genome position (GRCh38, 1-based): chr11:117,382,918, C>T. VCF-style: chr11-117382918-C-T. GRCh37 (hg19) VCF-style: chr11-117253634-C-T.
Other names: c.1700C>T (NM_014956.4); c.1709C>T, p.Pro570Leu (NM_001271933.2); short protein forms P567L, P570L.
Identifiers: ClinVar variation 1509475 (VCV001509475.7), dbSNP rs1470761164, ClinGen allele CA382714026.